The following is an entry in ClinVar:

ClinVar aggregate classification (germline): Likely pathogenic (1 of 4 stars; one submission).

Conditions:
Abetalipoproteinaemia (ABL). Also called: MTP DEFICIENCY; Abetalipoproteinemia; Abetalipoproteinemia neuropathy; Apolipoprotein B deficiency; Congenital betalipoprotein deficiency syndrome. Identifiers: Orphanet 14, MedGen C0000744, MONDO:0008692, OMIM 200100, HP:0008181.

Submission:

Natera, Inc.
Classification: Likely pathogenic for Abetalipoproteinemia. Last evaluated: 2024-07-02. Review status: criteria provided, single submitter. Criteria: Natera Variant Classification Schema (03/2026). Collection method: clinical testing. Allele origin: germline.
Comment: The c.2580_2581dup variant in MTTP is a frameshift variant predicted to shift the reading frame beginning at codon 861 and leads to a stop codon 4 codons downstream. This variant is expected to result in nonsense mediated decay, truncation, or a dysfunctional protein product. This variant is rare in the general population with a frequency below the threshold expected for the associated phenotype(s). Given the available evidence, this variant is classified as Likely Pathogenic.

NM_001386140.1(MTTP):c.2580_2581dup (p.Ser861fs)

Gene: MTTP (microsomal triglyceride transfer protein; plus strand). Cytogenetic location: 4q23.
Variant type: Duplication.
Coding change: c.2580_2581dup on transcript NM_001386140.1 (MANE Select); coding-DNA positions 2580 to 2581, 2 bases duplicated (AA; older notation c.2580_2581dupAA).
Protein change: p.Ser861fs; shifts the reading frame from serine 861.
Molecular consequence: frameshift variant.
Genome position (GRCh38, 1-based): chr4:99,622,743-99,622,744, AA duplicated; duplicating any 2 consecutive bases within chr4:99,622,742-99,622,744 gives the same sequence; the c. name uses the placement nearest the transcript's 3' end. VCF-style (leftmost placement, unchanged base first): chr4-99622741-G-GAA. GRCh37 (hg19) VCF-style: chr4-100543898-G-GAA.
Other names: c.2580_2581dup, p.Ser861fs (NM_000253.4); c.2331_2332dup, p.Ser778fs (NM_001300785.2); short protein forms S778fs, S861fs.
Identifiers: ClinVar variation 4817990 (VCV004817990.1).